The following is an entry in ClinVar:

ClinVar aggregate classification (germline): Likely benign (1 of 4 stars; one submission).

Conditions:
HTT-related disorder. Also called: HTT-related condition.

Allele frequency attached by ClinVar (database versions not stated): gnomAD 0.00001; gnomAD exomes 0.00001; TOPMed 0.00001.
gnomAD v4.1: 6 of 1,614,014 alleles (0.00037%); highest among the groups gnomAD compares: Admixed American, 0.01%; no homozygotes.

Submission:

PreventionGenetics, part of Exact Sciences
Classification: Likely benign for HTT-related condition. Last evaluated: 2020-11-03. Review status: criteria provided, single submitter. Criteria: ACMG Guidelines, 2015. Collection method: clinical testing. Allele origin: germline.
Comment: This variant is classified as likely benign based on ACMG/AMP sequence variant interpretation guidelines (Richards et al. 2015 PMID: 25741868, with internal and published modifications).

NM_001388492.1(HTT):c.804G>A (p.Arg268=)

Gene: HTT (huntingtin; plus strand). Cytogenetic location: 4p16.3.
Variant type: single nucleotide variant.
Coding change: c.804G>A on transcript NM_001388492.1 (MANE Select); coding-DNA position 804, G replaced by A.
Protein change: p.Arg268=; no amino-acid change (arginine 268 retained).
Molecular consequence: synonymous variant.
Genome position (GRCh38, 1-based): chr4:3,115,360, G>A. VCF-style: chr4-3115360-G-A. GRCh37 (hg19) VCF-style: chr4-3117087-G-A.
Other names: c.810G>A, p.Arg270= (NM_002111.8).
Identifiers: ClinVar variation 3035944 (VCV003035944.1), dbSNP rs1191805328, ClinGen allele CA438117049.
Genomic context (GRCh38, chr4:3,115,360, plus strand): 5'-GTAGGTTTTGTTAAAGGCCTTCATAGCGAACCTGAAGTCAAGCTCCCCCACCATTCGGCG[G>A]ACAGCGGCTGGATCAGCAGTGAGCATCTGCCAGCACTCAAGAAGGACACAATATTTCTAT-3'
Protein context (NP_001375421.1, residues 258-278): NLKSSSPTIR[Arg268=]TAAGSAVSIC